The following is an entry in ClinVar:

ClinVar aggregate classification (germline): Uncertain significance (1 of 4 stars; one submission).

Submission:

GeneDx
Classification: Uncertain significance. Last evaluated: 2025-06-05. Review status: criteria provided, single submitter. Criteria: GeneDx Variant Classification Process June 2021. Collection method: clinical testing. Allele origin: germline. Affected: yes.
Comment: Not observed at significant frequency in large population cohorts (gnomAD); In silico analysis suggests that this missense variant does not alter protein structure/function; Has not been previously published as pathogenic or benign to our knowledge

NM_032229.3(SLITRK6):c.2437G>C (p.Val813Leu)

Gene: SLITRK6 (SLIT and NTRK like family member 6; minus strand). Cytogenetic location: 13q31.1.
Variant type: single nucleotide variant.
Coding change: c.2437G>C on transcript NM_032229.3 (MANE Select); coding-DNA position 2437, G replaced by C.
Protein change: p.Val813Leu; replaces valine 813 with leucine.
Molecular consequence: missense variant.
Genome position (GRCh38, 1-based): chr13:85,794,072, C>G on the plus strand (G>C on the coding strand, the complement: SLITRK6 is on the minus strand). VCF-style: chr13-85794072-C-G. GRCh37 (hg19) VCF-style: chr13-86368207-C-G.
Other names: short protein forms V813L.
Identifiers: ClinVar variation 4536258 (VCV004536258.1).
Genomic context (GRCh38, chr13:85,794,072, plus strand): 5'-AGTCAGGTTCAGCATGTAAATTAGCTTTAAGTTCAAAATACTCATTTTTTGTCTGTTCCA[C>G]TAATACCTTCCTTGGACGTGAGTACATTAATGTTTCCATTAACTTCAGCTCTTCGTGGGC-3'
Protein context (NP_115605.2, residues 803-823): LMYSRPRKVL[Val813Leu]EQTKNEYFEL